The following is an entry in ClinVar:

ClinVar aggregate classification (germline): Uncertain significance (1 of 4 stars; one submission).

Allele frequency attached by ClinVar (database versions not stated): gnomAD 0.00002; TOPMed 0.00002; ESP Exome Variant Server 0.00008.
gnomAD v4.1: 111 of 1,609,624 alleles (0.0069%); highest among the groups gnomAD compares: Non-Finnish European, 0.0093%; no homozygotes.

Submission:

Labcorp Genetics (formerly Invitae), Labcorp
Classification: Uncertain significance. Last evaluated: 2021-10-05. Review status: criteria provided, single submitter. Criteria: Invitae Variant Classification Sherloc (09022015). Collection method: clinical testing. Allele origin: germline.
Comment: This sequence change replaces aspartic acid with glutamic acid at codon 315 of the HPS4 protein (p.Asp315Glu). The aspartic acid residue is weakly conserved and there is a small physicochemical difference between aspartic acid and glutamic acid. This variant is not present in population databases (ExAC no frequency). This variant has not been reported in the literature in individuals affected with HPS4-related conditions. Algorithms developed to predict the effect of missense changes on protein structure and function output the following: SIFT: "Tolerated"; PolyPhen-2: "Benign"; Align-GVGD: "Class C0". The glutamic acid amino acid residue is found in multiple mammalian species, which suggests that this missense change does not adversely affect protein function. In summary, the available evidence is currently insufficient to determine the role of this variant in disease. Therefore, it has been classified as a Variant of Uncertain Significance.

NM_022081.6(HPS4):c.945C>G (p.Asp315Glu)

Gene: HPS4 (HPS4 biogenesis of lysosomal organelles complex 3 subunit 2; minus strand). Cytogenetic location: 22q12.1.
Variant type: single nucleotide variant.
Coding change: c.945C>G on transcript NM_022081.6 (MANE Select); coding-DNA position 945, C replaced by G.
Protein change: p.Asp315Glu; replaces aspartic acid 315 with glutamic acid.
Molecular consequence: missense variant. On other transcripts: non-coding transcript variant (8).
Genome position (GRCh38, 1-based): chr22:26,464,685, G>C on the plus strand (C>G on the coding strand, the complement: HPS4 is on the minus strand). VCF-style: chr22-26464685-G-C. GRCh37 (hg19) VCF-style: chr22-26860651-G-C.
Other names: c.945C>G, p.Asp315Glu (NM_001349896.1, NM_001349898.2, NM_001349899.2 and 4 more transcripts); c.999C>G, p.Asp333Glu (NM_001349900.2, NM_001349901.1); c.930C>G, p.Asp310Glu (NM_152841.2); short protein forms D315E, D333E, D310E.
Identifiers: ClinVar variation 1398693 (VCV001398693.3), dbSNP rs146884025, ClinGen allele CA322845916.